The following is an entry in ClinVar:

NM_015164.4(PLEKHM2):c.2866T>C (p.Ser956Pro)

Gene: PLEKHM2 (pleckstrin homology and RUN domain containing M2; plus strand). Cytogenetic location: 1p36.21.
Variant type: single nucleotide variant.
Coding change: c.2866T>C on transcript NM_015164.4 (MANE Select); coding-DNA position 2866, T replaced by C.
Protein change: p.Ser956Pro; replaces serine 956 with proline.
Molecular consequence: missense variant.
Genome position (GRCh38, 1-based): chr1:15,732,672, T>C. VCF-style: chr1-15732672-T-C. GRCh37 (hg19) VCF-style: chr1-16059167-T-C.
Other names: c.2806T>C, p.Ser936Pro (NM_001410755.1); short protein forms S936P, S956P.
Identifiers: ClinVar variation 1941622 (VCV001941622.5), dbSNP rs760573555, ClinGen allele CA617377.
Genomic context (GRCh38, chr1:15,732,672, plus strand): 5'-GAGTTCTCCCAGGACAGCCAGCAGCTCCTCCCGCCCTGGGTCATCTACCTGAGCTGCACT[T>C]CTGAACTGGACCGATTGCTGTCTGCACTGAACTCTGGGTGGAAAACCATCTATCAGGTAC-3'
Protein context (NP_055979.2, residues 946-966): PPWVIYLSCT[Ser956Pro]ELDRLLSALN

ClinVar aggregate classification (germline): Uncertain significance (1 of 4 stars; one submission).

Allele frequency attached by ClinVar (database versions not stated): gnomAD exomes below 0.00001; ExAC 0.00001; gnomAD 0.00001.
gnomAD v4.1: 5 of 1,610,870 alleles (0.00031%); highest among the groups gnomAD compares: Non-Finnish European, 0.00042%; no homozygotes.

Submission:

Labcorp Genetics (formerly Invitae), Labcorp
Classification: Uncertain significance. Last evaluated: 2022-04-27. Review status: criteria provided, single submitter. Criteria: Invitae Variant Classification Sherloc (09022015). Collection method: clinical testing. Allele origin: germline.
Comment: This sequence change replaces serine, which is neutral and polar, with proline, which is neutral and non-polar, at codon 956 of the PLEKHM2 protein (p.Ser956Pro). The frequency data for this variant in the population databases is considered unreliable, as metrics indicate poor data quality at this position in the gnomAD database. This variant has not been reported in the literature in individuals affected with PLEKHM2-related conditions. Algorithms developed to predict the effect of missense changes on protein structure and function output the following: SIFT: "Tolerated"; PolyPhen-2: "Benign"; Align-GVGD: "Class C0". The proline amino acid residue is found in multiple mammalian species, which suggests that this missense change does not adversely affect protein function. In summary, the available evidence is currently insufficient to determine the role of this variant in disease. Therefore, it has been classified as a Variant of Uncertain Significance.